The following is an entry in ClinVar:

NM_000059.4(BRCA2):c.426-414C>T

Gene: BRCA2 (BRCA2 DNA repair associated; plus strand). Cytogenetic location: 13q13.1.
Variant type: single nucleotide variant.
Coding change: c.426-414C>T on transcript NM_000059.4 (MANE Select); 414 bases into the intron before coding-DNA position 426, C replaced by T.
Molecular consequence: intron variant.
Genome position (GRCh38, 1-based): chr13:32,325,687, C>T. VCF-style: chr13-32325687-C-T. GRCh37 (hg19) VCF-style: chr13-32899824-C-T.
Identifiers: ClinVar variation 264951 (VCV000264951.1), dbSNP rs11571616, ClinGen allele CA10588078.

ClinVar aggregate classification (germline): Benign (3 of 4 stars; one submission).

Conditions:
Breast-ovarian cancer, familial, susceptibility to, 2 (BROVCA2). Also called: BRCA2 Hereditary Breast and Ovarian Cancer. Identifiers: Orphanet 145, MedGen C2675520, MONDO:0012933, OMIM 612555. Disease mechanism: loss of function.

Allele frequency attached by ClinVar (database versions not stated): gnomAD 0.00598 and 0.00655; 1000 Genomes Project 0.00619; 1000 Genomes Project 30x 0.00656; TOPMed 0.00658.
gnomAD v4.1: 897 of 151,822 alleles (0.59%); highest among the groups gnomAD compares: African/African-American, 2.1%; 9 homozygotes.

Submission:

Evidence-based Network for the Interpretation of Germline Mutant Alleles (ENIGMA)
Classification: Benign for Breast-ovarian cancer, familial, susceptibility to, 2. Last evaluated: 2016-09-28. Review status: reviewed by expert panel. Criteria: ENIGMA BRCA1/2 Classification Criteria (2015). Collection method: curation. Allele origin: germline.
Comment: Class 1 not pathogenic based on frequency >1% in an outbred sampleset. Frequency 0.0227 (African), derived from 1000 genomes (2013-05-02).